The following is an entry in ClinVar:

NM_001378609.3(OTOGL):c.1825G>A (p.Ala609Thr)

Gene: OTOGL (otogelin like; plus strand). Cytogenetic location: 12q21.31.
Variant type: single nucleotide variant.
Coding change: c.1825G>A on transcript NM_001378609.3 (MANE Select); coding-DNA position 1825, G replaced by A.
Protein change: p.Ala609Thr; replaces alanine 609 with threonine.
Molecular consequence: missense variant.
Genome position (GRCh38, 1-based): chr12:80,257,938, G>A. VCF-style: chr12-80257938-G-A. GRCh37 (hg19) VCF-style: chr12-80651718-G-A.
Other names: c.1825G>A, p.Ala609Thr (NM_001368062.3, NM_001378610.3, NM_173591.7); short protein forms A609T.
Identifiers: ClinVar variation 2591262 (VCV002591262.3), dbSNP rs374776393, ClinGen allele CA6700580.

ClinVar aggregate classification (germline): Conflicting classifications of pathogenicity. Review status: criteria provided, conflicting classifications (1 of 4 stars). 2 submissions from 2 submitters: Uncertain significance (1); Likely benign (1). Last evaluated 2026-03-04.

Conditions:
Autosomal recessive nonsyndromic hearing loss 84B. Also called: Deafness, autosomal recessive 84b. Identifiers: Orphanet 90636, MedGen C3554159, MONDO:0013984, OMIM 614944.
Inborn genetic diseases. Identifiers: MedGen C0950123, MeSH D030342.

Allele frequency attached by ClinVar (database versions not stated): ESP Exome Variant Server 0.00008; ExAC 0.00010; 1000 Genomes Project 30x 0.00016; 1000 Genomes Project 0.00020.
gnomAD v4.1: 85 of 1,597,836 alleles (0.0053%); highest among the groups gnomAD compares: African/African-American, 0.0093%; no homozygotes.

Submissions (2):

Centre for Medical Genetics,  Mumbai
Classification: Likely benign for Autosomal recessive nonsyndromic hearing loss 84B. Last evaluated: 2026-03-04. Review status: criteria provided, single submitter. Criteria: ACMG Guidelines, 2015. Collection method: provider interpretation. Allele origin: germline. Inheritance: Autosomal recessive inheritance. Affected: no. Observed: 1 variant allele, 1 homozygote.
Comment: The variant satisfies PM2 criteria; Extremely low frequency in gnomAD population databases. The variant satisfies BP4 criteria; For a missense or a splice region variant, computational prediction tools unanimously support a benign effect on the gene. However, the variant satisfies BS2 criteria; present in homozygous state in an individual that clinically does not have Deafness, autosomal recessive 84B

Ambry Genetics
Classification: Uncertain significance for Inborn genetic diseases. Last evaluated: 2023-07-12. Review status: criteria provided, single submitter. Criteria: Ambry Variant Classification Scheme 2023. Collection method: clinical testing. Allele origin: germline.

Literature cited by the submitters: PubMed 23122586 (cited by Centre for Medical Genetics,  Mumbai).